The following is an entry in ClinVar:

NM_005465.7(AKT3):c.237G>T (p.Trp79Cys)

Gene: AKT3 (AKT serine/threonine kinase 3; minus strand). Cytogenetic location: 1q44.
Variant type: single nucleotide variant.
Coding change: c.237G>T on transcript NM_005465.7 (MANE Select); coding-DNA position 237, G replaced by T.
Protein change: p.Trp79Cys; replaces tryptophan 79 with cysteine.
Molecular consequence: missense variant.
Genome position (GRCh38, 1-based): chr1:243,664,819, C>A on the plus strand (G>T on the coding strand, the complement: AKT3 is on the minus strand). VCF-style: chr1-243664819-C-A. GRCh37 (hg19) VCF-style: chr1-243828121-C-A.
Other names: c.237G>T, p.Trp79Cys (NM_001206729.2, NM_001370074.1, NM_181690.2); short protein forms W79C.
Identifiers: ClinVar variation 1803517 (VCV001803517.1), dbSNP rs2147921624, ClinGen allele CA345669257.

ClinVar aggregate classification (germline): Pathogenic (1 of 4 stars; one submission).

Submission:

GeneDx
Classification: Pathogenic. Last evaluated: 2022-06-14. Review status: criteria provided, single submitter. Criteria: GeneDx Variant Classification Process June 2021. Collection method: clinical testing. Allele origin: germline. Affected: yes.
Comment: Not observed at significant frequency in large population cohorts (gnomAD); In silico analysis supports that this missense variant has a deleterious effect on protein structure/function; This variant is associated with the following publications: (PMID: 28969385)